The following is an entry in ClinVar:

NM_001042492.3(NF1):c.7422dup (p.Thr2475fs)

Gene: NF1 (neurofibromin 1; plus strand). Cytogenetic location: 17q11.2.
Variant type: Duplication.
Coding change: c.7422dup on transcript NM_001042492.3 (MANE Select); coding-DNA position 7422, one base duplicated (T; older notation c.7422dupT).
Protein change: p.Thr2475fs; shifts the reading frame from threonine 2475.
Molecular consequence: frameshift variant.
Genome position (GRCh38, 1-based): chr17:31,350,283, T duplicated. VCF-style (leftmost placement, unchanged base first): chr17-31350282-A-AT. GRCh37 (hg19) VCF-style: chr17-29677300-A-AT.
Other names: c.7422dupT (NM_001042492.2); c.7359dup, p.Thr2454Tyrfs (NM_000267.4); short protein forms T2454fs, T2475fs.
Identifiers: ClinVar variation 428986 (VCV000428986.3), dbSNP rs1131691107, ClinGen allele CA645369733.
Genomic context (GRCh38, chr17:31,350,282, plus strand): 5'-GCCTAAAACATAGAAAGTCACTTCTTCTTACTGATATTTCAATGGAAAATGTTCCTATGG[A>AT]TACATATCCCATTCATCATGGTGACCCTTCCTATAGGTAAGTGGATTTACTCTCCTATAA-3'

ClinVar aggregate classification (germline): Pathogenic (1 of 4 stars; one submission).

Conditions:
Hereditary cancer-predisposing syndrome. Also called: Hereditary Cancer Syndrome; Neoplastic Syndromes, Hereditary; Hereditary neoplastic syndrome; Tumor predisposition. Identifiers: Orphanet 140162, MedGen C0027672, MeSH D009386, MONDO:0015356.

Submission:

Ambry Genetics
Classification: Pathogenic for Hereditary cancer-predisposing syndrome. Last evaluated: 2016-03-03. Review status: criteria provided, single submitter. Criteria: Ambry Autosomal Dominant and X-Linked criteria (10/2015). Collection method: clinical testing. Allele origin: germline. Observed: 1 variant allele.
Comment: The c.7422dupT pathogenic mutation (also known as c.7359dupT), located in coding exon 50 of the NF1 gene, results from a duplication of T at nucleotide position 7422, causing a translational frameshift with a predicted alternate stop codon. Since frameshifts are typically deleterious in nature, this alteration is interpreted as a disease-causing mutation (ACMG Recommendations for Standards for Interpretation and Reporting of Sequence Variations. Revision 2007. Genet Med. 2008;10:294).